The following is an entry in ClinVar:

ClinVar aggregate classification (germline): Likely pathogenic (1 of 4 stars; one submission).

Conditions:
Fanconi anemia (FA). Also called: Fanconi's anemia. Identifiers: Orphanet 84, MedGen C0015625, MeSH D005199, MONDO:0019391.

Submission:

Labcorp Genetics (formerly Invitae), Labcorp
Classification: Likely pathogenic for Fanconi anemia. Last evaluated: 2021-04-05. Review status: criteria provided, single submitter. Criteria: Invitae Variant Classification Sherloc (09022015). Collection method: clinical testing. Allele origin: germline.
Comment: This variant is not present in population databases (ExAC no frequency). This sequence change affects an acceptor splice site in intron 19 of the FANCA gene. It is expected to disrupt RNA splicing. Variants that disrupt the donor or acceptor splice site typically lead to a loss of protein function (PMID: 16199547), and loss-of-function variants in FANCA are known to be pathogenic (PMID: 19367192). In summary, the currently available evidence indicates that the variant is pathogenic, but additional data are needed to prove that conclusively. Therefore, this variant has been classified as Likely Pathogenic. Algorithms developed to predict the effect of sequence changes on RNA splicing suggest that this variant may disrupt the consensus splice site, but this prediction has not been confirmed by published transcriptional studies. This variant has been observed in individual(s) with Fanconi anemia (PMID: 29098742).

Literature cited by the submitters: PubMed 16199547; PubMed 19367192; PubMed 29098742.

NM_000135.4(FANCA):c.1777-2A>G

Gene: FANCA (FA complementation group A; minus strand). Cytogenetic location: 16q24.3.
Variant type: single nucleotide variant.
Coding change: c.1777-2A>G on transcript NM_000135.4 (MANE Select); the canonical splice acceptor site of the intron before coding-DNA position 1777, A replaced by G.
Molecular consequence: splice acceptor variant.
Genome position (GRCh38, 1-based): chr16:89,778,852, T>C on the plus strand (A>G on the coding strand, the complement: FANCA is on the minus strand). VCF-style: chr16-89778852-T-C. GRCh37 (hg19) VCF-style: chr16-89845260-T-C.
Other names: c.1777-2A>G (NM_001286167.3).
Identifiers: ClinVar variation 1482949 (VCV001482949.9), dbSNP rs2143422990, ClinGen allele CA397454640.